The following is an entry in ClinVar:

NM_000059.4(BRCA2):c.831T>G (p.Asn277Lys)

Gene: BRCA2 (BRCA2 DNA repair associated; plus strand). Cytogenetic location: 13q13.1.
Variant type: single nucleotide variant.
Coding change: c.831T>G on transcript NM_000059.4 (MANE Select); coding-DNA position 831, T replaced by G.
Protein change: p.Asn277Lys; replaces asparagine 277 with lysine.
Molecular consequence: missense variant.
Genome position (GRCh38, 1-based): chr13:32,332,309, T>G. VCF-style: chr13-32332309-T-G. GRCh37 (hg19) VCF-style: chr13-32906446-T-G.
Other names: p.N277K:AAT>AAG; NM_000059.4(BRCA2):c.831T>G; (p.Asn277Lys); 1059T>G; short protein forms N277K.
Identifiers: ClinVar variation 38152 (VCV000038152.86), dbSNP rs28897705, ClinGen allele CA025568.

ClinVar aggregate classification (germline): Benign. Review status: reviewed by expert panel (3 of 4 stars). 27 submissions from 27 submitters: Benign (1). 26 of the submissions do not count toward it. Last evaluated 2024-06-11.

Conditions:
BRCA2-related cancer predisposition. Identifiers: MedGen CN377758, MONDO:0700269.
Breast and/or ovarian cancer. Identifiers: MedGen CN221562.
Hereditary cancer-predisposing syndrome. Also called: Neoplastic Syndromes, Hereditary; Tumor predisposition; Hereditary Cancer Syndrome; Hereditary neoplastic syndrome. Identifiers: Orphanet 140162, MedGen C0027672, MeSH D009386, MONDO:0015356.
Hereditary breast ovarian cancer syndrome. Also called: Hereditary breast and ovarian cancer; Breast and ovarian cancer; Hereditary breast and/or ovarian cancer syndrome; Hereditary breast and ovarian cancer syndrome (HBOC); Hereditary breast and ovarian cancer syndrome; BRCA1- and BRCA2-Associated Hereditary Breast and Ovarian Cancer. Identifiers: Orphanet 145, MedGen C0677776, MeSH D061325, MONDO:0003582. Disease mechanism: loss of function.
Breast-ovarian cancer, familial, susceptibility to, 2 (BROVCA2). Also called: BRCA2 Hereditary Breast and Ovarian Cancer. Identifiers: Orphanet 145, MedGen C2675520, MONDO:0012933, OMIM 612555. Disease mechanism: loss of function.
Malignant tumor of breast. Also called: Malignant breast neoplasm; Cancer breast. Identifiers: MedGen C0006142, MONDO:0007254. Disease mechanism: loss of function.

Allele frequency attached by ClinVar (database versions not stated): gnomAD 0.00005 and 0.00006; TOPMed 0.00005; ExAC 0.00006; gnomAD exomes 0.00021.
gnomAD v4.1: 303 of 1,606,240 alleles (0.019%); highest among the groups gnomAD compares: Non-Finnish European, 0.025%; no homozygotes.

Submissions 1 to 10 of 27:

ClinGen ENIGMA BRCA1 and BRCA2 Variant Curation Expert Panel, ClinGen
Classification: Benign for BRCA2-related cancer predisposition. Last evaluated: 2024-06-11. Review status: reviewed by expert panel. Criteria: CSpec BRCA1/2ACMG Rules Specifications V1.0. Collection method: curation. Allele origin: germline. Inheritance: Autosomal dominant inheritance.
Comment: The c.831T>G variant in BRCA2 is a missense variant predicted to cause substitution of Asparagine by Lysine at amino acid 277 (p.Asn277Lys). The highest non-cancer, non-founder population filter allele frequency in gnomAD v2.1 (exomes only, non-cancer subset, read depth >=20) or gnomAD v3.1 (non-cancer subset, read depth >=20) is 0.00008331 in the European (non-Finnish) population, which is within the ENIGMA BRCA1/2 VCEP threshold (>0.00002 to <= 0.0001) for BS1_Supporting (BS1_Supporting met). This missense variant is located outside of a key functional domain and was not predicted to alter mRNA splicing using the SpliceAI predictor (score 0, score threshold <0.1) (BP1_Strong met). Reported by one calibrated study to exhibit protein function similar to benign control variants (PMID: 33293522) (BS3 met). Multifactorial likelihood ratio analysis using clinically calibrated data produced a combined LR for this variant of 0.06 (based on Cosegregation LR=0.3; Pathology LR=1.27; Co-occurrence LR=1.88; Family History LR=0.0888), within the thresholds for Moderate benign evidence (LR >=0.05 & <0.23) (BP5_Moderate met; PMID: 31131967). In summary, this variant meets the criteria to be classified as a Benign variant for BRCA2-related cancer predisposition based on the ACMG/AMP criteria applied as specified by the ENIGMA BRCA1/2 VCEP (BS1_Supporting, BP1_Strong, BS3, BP5_Moderate).

Labcorp Genetics (formerly Invitae), Labcorp
Classification: Likely benign for Hereditary breast ovarian cancer syndrome. Last evaluated: 2026-02-03. Review status: criteria provided, single submitter. Criteria: Invitae Variant Classification Sherloc (09022015). Collection method: clinical testing. Allele origin: germline. Not counted in ClinVar's aggregate classification.

Dipartimento Di Medicina Di Precisione, Università Degli Studi Della Campania Luigi Vanvitelli
Classification: Benign for Breast-ovarian cancer, familial, susceptibility to, 2. Last evaluated: 2025-07-16. Review status: criteria provided, single submitter. Criteria: ACMG Guidelines, 2015. Collection method: clinical testing. Allele origin: germline. Inheritance: Autosomal dominant inheritance. Affected: yes. Observed: 1 heterozygote. Not counted in ClinVar's aggregate classification.
Comment: The missense variant c.831T>G (p.Asn277Lys) in the BRCA2 gene is located in exon 7 and results in the substitution of asparagine with lysine at codon 277. The affected residue is moderately conserved, and the change from a neutral polar to a basic amino acid may have a limited structural impact. However, in silico prediction tools such as BayesDel and REVEL indicate a tolerated or benign effect on BRCA2 protein function. To date, no strong clinical or functional evidence supports pathogenicity. Based on currently available information, this variant is interpreted as likely benign.

Women's Health and Genetics/Laboratory Corporation of America, LabCorp
Classification: Likely benign. Last evaluated: 2025-05-08. Review status: criteria provided, single submitter. Criteria: LabCorp Variant Classification Summary - May 2015. Collection method: clinical testing. Allele origin: germline. Not counted in ClinVar's aggregate classification.
Comment: Variant summary: BRCA2 c.831T>G (p.Asn277Lys) results in a non-conservative amino acid change in the encoded protein sequence. Algorithms developed to predict the effect of missense changes on protein structure and function are either unavailable or do not agree on the potential impact of this missense change. The variant allele was found at a frequency of 7.3e-05 in 245138 control chromosomes, predominantly at a frequency of 0.00016 within the Non-Finnish European subpopulation in the gnomAD database. This frequency is not significantly higher than estimated for a pathogenic variant in BRCA2 causing Hereditary Breast And Ovarian Cancer Syndrome (7.3e-05 vs 0.00075), allowing no conclusion about variant significance. c.831T>G has been reported in individuals affected with breast, ovarian, and other cancers, however these reports do not provide unequivocal conclusions about association of the variant with Hereditary Breast And Ovarian Cancer Syndrome. Moreover, a recent report from the CAGI5 (fifth Critical Assessment of Genome Interpretation) challenge has classified this variant as benign in a prediction protocol that includes assessment of the impact of this variant on splicing and protein function using four sets of predictors (Padilla_2019). An experimental study determined the variant to be 'functional' based on cell survival and drug sensitivity assay results (Biswas_2020). The following publications have been ascertained in the context of this evaluation (PMID: 21952622, 22476429, 18724707, 16683254, 22771033, 25348012, 24817641, 21533266, 27153395, 28435519, 30086788, 31432501, 31112341, 32438681, 33293522, 34597585). ClinVar contains an entry for this variant (Variation ID: 38152). Based on the evidence outlined above, the variant was classified as likely benign.

Center for Genomic Medicine, Rigshospitalet, Copenhagen University Hospital
Classification: Benign. Last evaluated: 2025-03-04. Review status: criteria provided, single submitter. Criteria: ACMG Guidelines, 2015. Collection method: clinical testing. Allele origin: germline. Not counted in ClinVar's aggregate classification.

CeGaT Center for Human Genetics Tuebingen
Classification: Likely benign. Last evaluated: 2024-06-01. Review status: criteria provided, single submitter. Criteria: CeGaT Center For Human Genetics Tuebingen Variant Classification Criteria Version 2. Collection method: clinical testing. Allele origin: germline. Affected: yes. Observed: 2 variant alleles. Not counted in ClinVar's aggregate classification.
Comment: BRCA2: BP4

Quest Diagnostics Nichols Institute San Juan Capistrano
Classification: Likely benign. Last evaluated: 2024-05-03. Review status: criteria provided, single submitter. Criteria: Quest Diagnostics criteria. Collection method: clinical testing. Allele origin: unknown. Not counted in ClinVar's aggregate classification.

University of Washington Department of Laboratory Medicine, University of Washington
Classification: Likely benign for Hereditary cancer-predisposing syndrome. Last evaluated: 2023-03-23. Review status: criteria provided, single submitter. Criteria: Dines et al. (Genet Med. 2020). Collection method: curation. Allele origin: germline. Not counted in ClinVar's aggregate classification.
Comment: Missense variant in a coldspot region where missense variants are very unlikely to be pathogenic (PMID:31911673).

BRCA2 exon 10 coldspot. Reclassification based on statistical prior probability.

Sema4
Classification: Uncertain significance for Hereditary cancer-predisposing syndrome. Last evaluated: 2021-12-17. Review status: criteria provided, single submitter. Criteria: Sema4 Curation Guidelines. Collection method: curation. Allele origin: germline. Not counted in ClinVar's aggregate classification.
Comment: The BRCA2 c.831T>G (p.N277K) variant has been reported in individuals with breast cancer, prostate cancer, or pancreatic cancer; however, it was also identified in numerous unaffected controls (PMID: 33471991, 31432501, 28435519, 22476429). Functional studies have shown that this variant results in increased cytokinetic defects but did not alter homologous recombination repair of DNA damage in vitro (PMID: 22771033). It was observed in 19/127296 chromosomes in the Non-Finnish European subpopulation in the large and broad cohorts of the Genome Aggregation Database (PMID: 32461654). This variant has been reported in ClinVar (Variation ID: 38152). In silico tools suggest the impact of the variant on protein function is benign, though these predictions have not been confirmed by functional studies. The evidence is insufficient to meet ACMG/AMP criteria for classifying the variant as benign or pathogenic. Thus, the clinical significance of this variant is currently uncertain.

Institute for Clinical Genetics, University Hospital TU Dresden, University Hospital TU Dresden
Classification: Uncertain significance. Last evaluated: 2021-11-03. Review status: criteria provided, single submitter. Criteria: ACMG Guidelines, 2015. Collection method: clinical testing. Allele origin: germline. Not counted in ClinVar's aggregate classification.